The following is an entry in ClinVar:

NM_001112704.2(VAX1):c.470A>G (p.Lys157Arg)

Gene: VAX1 (ventral anterior homeobox 1; minus strand). Cytogenetic location: 10q25.3.
Variant type: single nucleotide variant.
Coding change: c.470A>G on transcript NM_001112704.2 (MANE Select); coding-DNA position 470, A replaced by G.
Protein change: p.Lys157Arg; replaces lysine 157 with arginine.
Molecular consequence: missense variant. On other transcripts: intron variant (1).
Genome position (GRCh38, 1-based): chr10:117,134,543, T>C on the plus strand (A>G on the coding strand, the complement: VAX1 is on the minus strand). VCF-style: chr10-117134543-T-C. GRCh37 (hg19) VCF-style: chr10-118894054-T-C.
Other names: c.429+1929A>G (NM_199131.3); short protein forms K157R.
Identifiers: ClinVar variation 2169358 (VCV002169358.4), dbSNP rs759903028, ClinGen allele CA5709686.

ClinVar aggregate classification (germline): Uncertain significance (1 of 4 stars; one submission).

Conditions:
Microphthalmia, syndromic 11 (MCOPS11). Identifiers: MedGen C3553077, MONDO:0013734, OMIM 614402.

Allele frequency attached by ClinVar (database versions not stated): gnomAD exomes below 0.00001; ExAC 0.00014.
gnomAD v4.1: 3 of 1,528,814 alleles (0.0002%); highest among the groups gnomAD compares: South Asian, 0.0036%; no homozygotes.

Submission:

Labcorp Genetics (formerly Invitae), Labcorp
Classification: Uncertain significance for Microphthalmia, syndromic 11. Last evaluated: 2022-09-21. Review status: criteria provided, single submitter. Criteria: Invitae Variant Classification Sherloc (09022015). Collection method: clinical testing. Allele origin: germline.
Comment: In summary, the available evidence is currently insufficient to determine the role of this variant in disease. Therefore, it has been classified as a Variant of Uncertain Significance. Advanced modeling of protein sequence and biophysical properties (such as structural, functional, and spatial information, amino acid conservation, physicochemical variation, residue mobility, and thermodynamic stability) performed at Invitae indicates that this missense variant is not expected to disrupt VAX1 protein function. This variant has not been reported in the literature in individuals affected with VAX1-related conditions. The frequency data for this variant in the population databases is considered unreliable, as metrics indicate poor data quality at this position in the gnomAD database. This sequence change replaces lysine, which is basic and polar, with arginine, which is basic and polar, at codon 157 of the VAX1 protein (p.Lys157Arg).